The following is an entry in ClinVar:

NM_020778.5(ALPK3):c.4575G>T (p.Lys1525Asn)

Gene: ALPK3 (alpha kinase 3; plus strand). Cytogenetic location: 15q25.3.
Variant type: single nucleotide variant.
Coding change: c.4575G>T on transcript NM_020778.5 (MANE Select); coding-DNA position 4575, G replaced by T.
Protein change: p.Lys1525Asn; replaces lysine 1525 with asparagine.
Molecular consequence: missense variant.
Genome position (GRCh38, 1-based): chr15:84,864,517, G>T. VCF-style: chr15-84864517-G-T. GRCh37 (hg19) VCF-style: chr15-85407748-G-T.
Other names: short protein forms K1525N.
Identifiers: ClinVar variation 1403460 (VCV001403460.10), dbSNP rs116112514, ClinGen allele CA7710024.

ClinVar aggregate classification (germline): Uncertain significance. Review status: criteria provided, multiple submitters, no conflicts (2 of 4 stars). 4 submissions from 4 submitters: Uncertain significance (4). Last evaluated 2025-12-01.

Conditions:
ALPK3-related disorder. Also called: ALPK3-related condition.
Cardiovascular phenotype. Identifiers: MedGen CN230736.

Allele frequency attached by ClinVar (database versions not stated): gnomAD exomes 0.00004; TOPMed 0.00004; ExAC 0.00005; gnomAD 0.00005; ESP Exome Variant Server 0.00008; 1000 Genomes Project 30x 0.00016; 1000 Genomes Project 0.00020.
gnomAD v4.1: 91 of 1,614,212 alleles (0.0056%); highest among the groups gnomAD compares: Non-Finnish European, 0.0073%; no homozygotes.

Submissions (4):

Labcorp Genetics (formerly Invitae), Labcorp
Classification: Uncertain significance. Last evaluated: 2025-12-01. Review status: criteria provided, single submitter. Criteria: Invitae Variant Classification Sherloc (09022015). Collection method: clinical testing. Allele origin: germline.
Comment: This sequence change replaces lysine, which is basic and polar, with asparagine, which is neutral and polar, at codon 1727 of the ALPK3 protein (p.Lys1727Asn). This variant is present in population databases (rs116112514, gnomAD 0.008%). This variant has not been reported in the literature in individuals affected with ALPK3-related conditions. ClinVar contains an entry for this variant (Variation ID: 1403460). Invitae Evidence Modeling of protein sequence and biophysical properties (such as structural, functional, and spatial information, amino acid conservation, physicochemical variation, residue mobility, and thermodynamic stability) indicates that this missense variant is expected to disrupt ALPK3 protein function with a positive predictive value of 80%. In summary, the available evidence is currently insufficient to determine the role of this variant in disease. Therefore, it has been classified as a Variant of Uncertain Significance.

PreventionGenetics, part of Exact Sciences
Classification: Uncertain significance for ALPK3-related condition. Last evaluated: 2025-11-03. Review status: criteria provided, single submitter. Criteria: ACMG Guidelines, 2015. Collection method: clinical testing. Allele origin: germline.
Comment: The ALPK3 c.5181G>T variant is predicted to result in the amino acid substitution p.Lys1727Asn. To our knowledge, this variant has not been reported in the literature. This variant is reported in 0.0085% of alleles in individuals of European (Non-Finnish) descent in gnomAD. At this time, the clinical significance of this variant is uncertain due to the absence of conclusive functional and genetic evidence.

Ambry Genetics
Classification: Uncertain significance for Cardiovascular phenotype. Last evaluated: 2024-04-06. Review status: criteria provided, single submitter. Criteria: Ambry Variant Classification Scheme 2023. Collection method: clinical testing. Allele origin: germline.
Comment: The p.K1727N variant (also known as c.5181G>T), located in coding exon 12 of the ALPK3 gene, results from a G to T substitution at nucleotide position 5181. The lysine at codon 1727 is replaced by asparagine, an amino acid with similar properties. This amino acid position is conserved. In addition, this alteration is predicted to be tolerated by in silico analysis. Since supporting evidence is limited at this time, the clinical significance of this alteration remains unclear.

Women's Health and Genetics/Laboratory Corporation of America, LabCorp
Classification: Uncertain significance. Last evaluated: 2023-08-19. Review status: criteria provided, single submitter. Criteria: LabCorp Variant Classification Summary - May 2015. Collection method: clinical testing. Allele origin: germline.